The following is an entry in ClinVar:

NM_032043.3(BRIP1):c.684G>T (p.Glu228Asp)

Gene: BRIP1 (BRCA1 interacting DNA helicase 1; minus strand). Cytogenetic location: 17q23.2.
Variant type: single nucleotide variant.
Coding change: c.684G>T on transcript NM_032043.3 (MANE Select); coding-DNA position 684, G replaced by T.
Protein change: p.Glu228Asp; replaces glutamic acid 228 with aspartic acid.
Molecular consequence: missense variant.
Genome position (GRCh38, 1-based): chr17:61,808,701, C>A on the plus strand (G>T on the coding strand, the complement: BRIP1 is on the minus strand). VCF-style: chr17-61808701-C-A. GRCh37 (hg19) VCF-style: chr17-59886062-C-A.
Other names: short protein forms E228D.
Identifiers: ClinVar variation 826666 (VCV000826666.13), dbSNP rs876659909, ClinGen allele CA400485131.
Genomic context (GRCh38, chr17:61,808,701, plus strand): 5'-AAAATATATTTTGGGTATCTTGGATTTCCCTGTATGATCCTTCTTAATGGTATTCGATGA[C>A]TCTTGACTGTTTCCTTGTTTAGTAGAACAACAGCACCTAGAACAGTGGCCAGGGGGCTGT-3'
Protein context (NP_114432.2, residues 218-238): CCSTKQGNSQ[Glu228Asp]SSNTIKKDHT

ClinVar aggregate classification (germline): Uncertain significance. Review status: criteria provided, multiple submitters, no conflicts (2 of 4 stars). 2 submissions from 2 submitters: Uncertain significance (2). Last evaluated 2022-06-13.

Conditions:
Hereditary cancer-predisposing syndrome. Also called: Neoplastic Syndromes, Hereditary; Hereditary Cancer Syndrome; Hereditary neoplastic syndrome; Tumor predisposition. Identifiers: Orphanet 140162, MedGen C0027672, MeSH D009386, MONDO:0015356.
Fanconi anemia complementation group J. Also called: BRIP1-Related Fanconi Anemia. Identifiers: Orphanet 84, MedGen C1836860, MONDO:0012187, OMIM 609054.
Familial cancer of breast. Also called: hereditary breast carcinoma; BREAST CANCER, FAMILIAL; Hereditary breast cancer. Identifiers: Orphanet 227535, MedGen C0346153, MONDO:0016419, OMIM 114480. Disease mechanism: loss of function.

Submissions (2):

Labcorp Genetics (formerly Invitae), Labcorp
Classification: Uncertain significance for Familial cancer of breast; Fanconi anemia complementation group J. Last evaluated: 2022-06-13. Review status: criteria provided, single submitter. Criteria: Invitae Variant Classification Sherloc (09022015). Collection method: clinical testing. Allele origin: germline.
Comment: This sequence change replaces glutamic acid, which is acidic and polar, with aspartic acid, which is acidic and polar, at codon 228 of the BRIP1 protein (p.Glu228Asp). This variant is not present in population databases (gnomAD no frequency). This variant has not been reported in the literature in individuals affected with BRIP1-related conditions. ClinVar contains an entry for this variant (Variation ID: 826666). Algorithms developed to predict the effect of missense changes on protein structure and function output the following: SIFT: "Tolerated"; PolyPhen-2: "Benign"; Align-GVGD: "Class C0". The aspartic acid amino acid residue is found in multiple mammalian species, which suggests that this missense change does not adversely affect protein function. In summary, the available evidence is currently insufficient to determine the role of this variant in disease. Therefore, it has been classified as a Variant of Uncertain Significance.

Ambry Genetics
Classification: Uncertain significance for Hereditary cancer-predisposing syndrome. Last evaluated: 2019-07-19. Review status: criteria provided, single submitter. Criteria: Ambry Variant Classification Scheme 2023. Collection method: clinical testing. Allele origin: germline.
Comment: The p.E228D variant (also known as c.684G>T), located in coding exon 6 of the BRIP1 gene, results from a G to T substitution at nucleotide position 684. The glutamic acid at codon 228 is replaced by aspartic acid, an amino acid with highly similar properties. This amino acid position is highly conserved through mammals but not in all available vertebrate species. In addition, this alteration is predicted to be tolerated by in silico analysis. Since supporting evidence is limited at this time, the clinical significance of this alteration remains unclear.